The following is an entry in ClinVar:

NM_005188.4(CBL):c.1147A>G (p.Ile383Val)

Gene: CBL (Cbl proto-oncogene; plus strand). Cytogenetic location: 11q23.3.
Variant type: single nucleotide variant.
Coding change: c.1147A>G on transcript NM_005188.4 (MANE Select); coding-DNA position 1147, A replaced by G.
Protein change: p.Ile383Val; replaces isoleucine 383 with valine.
Molecular consequence: missense variant.
Genome position (GRCh38, 1-based): chr11:119,278,217, A>G. VCF-style: chr11-119278217-A-G. GRCh37 (hg19) VCF-style: chr11-119148927-A-G.
Other names: c.1147A>G (NM_005188.2); short protein forms I383V.
Identifiers: ClinVar variation 4804130 (VCV004804130.2).

ClinVar aggregate classification (germline): Uncertain significance. Review status: criteria provided, multiple submitters, no conflicts (2 of 4 stars). 2 submissions from 2 submitters: Uncertain significance (2). Last evaluated 2026-01-10.

Conditions:
RASopathy. Also called: rasopathies; Noonan spectrum disorder. Identifiers: Orphanet 536391, MedGen C5555857, MONDO:0021060.
Cardiovascular phenotype. Identifiers: MedGen CN230736.

gnomAD v4.1: 3 of 1,611,950 alleles (0.00019%); highest among the groups gnomAD compares: Admixed American, 0.0033%; no homozygotes.

Submissions (2):

Ambry Genetics
Classification: Uncertain significance for Cardiovascular phenotype. Last evaluated: 2026-01-10. Review status: criteria provided, single submitter. Criteria: Ambry Variant Classification Scheme 2023. Collection method: clinical testing. Allele origin: germline.
Comment: The p.I383V variant (also known as c.1147A>G), located in coding exon 8 of the CBL gene, results from an A to G substitution at nucleotide position 1147. The isoleucine at codon 383 is replaced by valine, an amino acid with highly similar properties. This amino acid position is conserved. In addition, the in silico prediction for this alteration is inconclusive. Based on the available evidence, the clinical significance of this variant remains unclear.

Labcorp Genetics (formerly Invitae), Labcorp
Classification: Uncertain significance for RASopathy. Last evaluated: 2025-08-31. Review status: criteria provided, single submitter. Criteria: Invitae Variant Classification Sherloc (09022015). Collection method: clinical testing. Allele origin: germline.
Comment: This sequence change replaces isoleucine, which is neutral and non-polar, with valine, which is neutral and non-polar, at codon 383 of the CBL protein (p.Ile383Val). This variant is present in population databases (no rsID available, gnomAD 0.003%). This variant has not been reported in the literature in individuals affected with CBL-related conditions. Invitae Evidence Modeling of protein sequence and biophysical properties (such as structural, functional, and spatial information, amino acid conservation, physicochemical variation, residue mobility, and thermodynamic stability) indicates that this missense variant is expected to disrupt CBL protein function with a positive predictive value of 95%. In summary, the available evidence is currently insufficient to determine the role of this variant in disease. Therefore, it has been classified as a Variant of Uncertain Significance.